The following is an entry in ClinVar:

NM_001130009.3(GEN1):c.1145A>G (p.Tyr382Cys)

Gene: GEN1 (GEN1 Holliday junction 5' flap endonuclease; plus strand). Cytogenetic location: 2p24.2.
Variant type: single nucleotide variant.
Coding change: c.1145A>G on transcript NM_001130009.3 (MANE Select); coding-DNA position 1145, A replaced by G.
Protein change: p.Tyr382Cys; replaces tyrosine 382 with cysteine.
Molecular consequence: missense variant.
Genome position (GRCh38, 1-based): chr2:17,774,344, A>G. VCF-style: chr2-17774344-A-G. GRCh37 (hg19) VCF-style: chr2-17955611-A-G.
Other names: c.1145A>G, p.Tyr382Cys (NM_182625.5); short protein forms Y382C.
Identifiers: ClinVar variation 4263135 (VCV004263135.1).

ClinVar aggregate classification (germline): Uncertain significance (1 of 4 stars; one submission).

gnomAD v4.1: 1 of 1,606,594 alleles (0.000062%); highest among the groups gnomAD compares: Non-Finnish European, 0.000085%; no homozygotes.

Submission:

Ambry Genetics
Classification: Uncertain significance. Last evaluated: 2025-09-12. Review status: criteria provided, single submitter. Criteria: Ambry Variant Classification Scheme 2023. Collection method: clinical testing. Allele origin: germline.
Comment: The p.Y382C variant (also known as c.1145A>G), located in coding exon 10 of the GEN1 gene, results from an A to G substitution at nucleotide position 1145. The tyrosine at codon 382 is replaced by cysteine, an amino acid with highly dissimilar properties. This amino acid position is conserved. In addition, this alteration is predicted to be tolerated by in silico analysis. Based on the available evidence, the clinical significance of this variant remains unclear.